The following is an entry in ClinVar:

ClinVar aggregate classification (germline): Uncertain significance (1 of 4 stars; one submission).

Conditions:
Inborn genetic diseases. Identifiers: MedGen C0950123, MeSH D030342.

Submission:

Ambry Genetics
Classification: Uncertain significance for Inborn genetic diseases. Last evaluated: 2025-01-10. Review status: criteria provided, single submitter. Criteria: Ambry Variant Classification Scheme 2023. Collection method: clinical testing. Allele origin: germline.
Comment: The p.L1048P variant (also known as c.3143T>C), located in coding exon 32 of the FANCA gene, results from a T to C substitution at nucleotide position 3143. The leucine at codon 1048 is replaced by proline, an amino acid with similar properties. This amino acid position is conserved. In addition, this alteration is predicted to be deleterious by in silico analysis. Based on the available evidence, the clinical significance of this variant remains unclear.

NM_000135.4(FANCA):c.3143T>C (p.Leu1048Pro)

Gene: FANCA (FA complementation group A; minus strand). Cytogenetic location: 16q24.3.
Variant type: single nucleotide variant.
Coding change: c.3143T>C on transcript NM_000135.4 (MANE Select); coding-DNA position 3143, T replaced by C.
Protein change: p.Leu1048Pro; replaces leucine 1048 with proline.
Molecular consequence: missense variant.
Genome position (GRCh38, 1-based): chr16:89,749,826, A>G on the plus strand (T>C on the coding strand, the complement: FANCA is on the minus strand). VCF-style: chr16-89749826-A-G. GRCh37 (hg19) VCF-style: chr16-89816234-A-G.
Other names: c.3143T>C, p.Leu1048Pro (NM_001286167.3); short protein forms L1048P.
Identifiers: ClinVar variation 3848101 (VCV003848101.1).
Genomic context (GRCh38, chr16:89,749,826, plus strand): 5'-CTGGCAGCCACGCTCCACCCGCTTGTCAGAGCCTGGAGCCGTCTGCGGAAAATCTCAAAG[A>G]GGAAGTGCTCCTGGGAAGGGGTGTGGCCGAGAGGCACTATGAGGTCTTGCTGCAGCTCCA-3'
Protein context (NP_000126.2, residues 1038-1058): LGHTPSQEHF[Leu1048Pro]FEIFRRRLQA